The following is an entry in ClinVar:

NM_014049.5(ACAD9):c.1475_1476delinsGT (p.Pro492Arg)

Gene: ACAD9 (acyl-CoA dehydrogenase family member 9; plus strand). Cytogenetic location: 3q21.3.
Variant type: Indel.
Coding change: c.1475_1476delinsGT on transcript NM_014049.5 (MANE Select); coding-DNA positions 1475 to 1476, CC replaced by GT.
Protein change: p.Pro492Arg; replaces proline 492 with arginine.
Molecular consequence: missense variant. On other transcripts: non-coding transcript variant (1).
Genome position (GRCh38, 1-based): chr3:128,909,089-128,909,090, CC replaced by GT. VCF-style: chr3-128909089-CC-GT. GRCh37 (hg19) VCF-style: chr3-128627932-CC-GT.
Other names: c.1106_1107delCCinsGT, p.Pro369Arg (NM_001410805.1); short protein forms P369R, P492R.
Identifiers: ClinVar variation 1987752 (VCV001987752.1), dbSNP rs2529279353, ClinGen allele CA2580068738.

ClinVar aggregate classification (germline): Uncertain significance (1 of 4 stars; one submission).

Submission:

Labcorp Genetics (formerly Invitae), Labcorp
Classification: Uncertain significance. Last evaluated: 2022-08-09. Review status: criteria provided, single submitter. Criteria: Invitae Variant Classification Sherloc (09022015). Collection method: clinical testing. Allele origin: germline.
Comment: This sequence change replaces proline, which is neutral and non-polar, with arginine, which is basic and polar, at codon 492 of the ACAD9 protein (p.Pro492Arg). This variant is present in population databases (no rsID available, gnomAD 0.1%). This variant has not been reported in the literature in individuals affected with ACAD9-related conditions. Algorithms developed to predict the effect of missense changes on protein structure and function are either unavailable or do not agree on the potential impact of this missense change (SIFT: "Not Available"; PolyPhen-2: "Benign"; Align-GVGD: "Not Available"). In summary, the available evidence is currently insufficient to determine the role of this variant in disease. Therefore, it has been classified as a Variant of Uncertain Significance.